The following is an entry in ClinVar:

NM_001035.3(RYR2):c.849-196C>T

Gene: RYR2 (ryanodine receptor 2; plus strand). Cytogenetic location: 1q43.
Variant type: single nucleotide variant.
Coding change: c.849-196C>T on transcript NM_001035.3 (MANE Select); 196 bases into the intron before coding-DNA position 849, C replaced by T.
Molecular consequence: intron variant.
Genome position (GRCh38, 1-based): chr1:237,422,896, C>T. VCF-style: chr1-237422896-C-T. GRCh37 (hg19) VCF-style: chr1-237586196-C-T.
Identifiers: ClinVar variation 672210 (VCV000672210.1), dbSNP rs16835235, ClinGen allele CA39790690.

ClinVar aggregate classification (germline): Benign (1 of 4 stars; one submission).

Allele frequency attached by ClinVar (database versions not stated): gnomAD 0.13808 and 0.14142; TOPMed 0.15484; 1000 Genomes Project 30x 0.20581; 1000 Genomes Project 0.20727.
gnomAD v4.1: 21,432 of 152,142 alleles (14%); highest among the groups gnomAD compares: East Asian, 27%; 1,812 homozygotes.

Submission:

GeneDx
Classification: Benign. Last evaluated: 2018-06-16. Review status: criteria provided, single submitter. Criteria: GeneDx Variant Classification (06012015). Collection method: clinical testing. Allele origin: germline. Affected: yes.
Comment: This variant is considered likely benign or benign based on one or more of the following criteria: it is a conservative change, it occurs at a poorly conserved position in the protein, it is predicted to be benign by multiple in silico algorithms, and/or has population frequency not consistent with disease.